The following is an entry in ClinVar:

ClinVar aggregate classification (germline): Pathogenic (1 of 4 stars; one submission).

Conditions:
Neuropathy, hereditary sensory and autonomic, type 2A (HSAN2A). Also called: HSAN IIA; MORVAN DISEASE; NEUROPATHY, CONGENITAL SENSORY; NEUROPATHY, HEREDITARY SENSORY RADICULAR, AUTOSOMAL RECESSIVE; NEUROPATHY, HEREDITARY SENSORY, TYPE IIA; NEUROPATHY, PROGRESSIVE SENSORY, OF CHILDREN. Identifiers: Orphanet 970, MedGen C2752089, MONDO:0024309, OMIM 201300.
Generalized epilepsy with febrile seizures plus, type 7 (GEFSP7). Also called: GEFS+, TYPE 7. Identifiers: Orphanet 36387, MedGen C2751778, MONDO:0013470, OMIM 613863.

Submission:

Labcorp Genetics (formerly Invitae), Labcorp
Classification: Pathogenic for Neuropathy, hereditary sensory and autonomic, type 2A; Generalized epilepsy with febrile seizures plus, type 7. Last evaluated: 2020-01-27. Review status: criteria provided, single submitter. Criteria: Invitae Variant Classification Sherloc (09022015). Collection method: clinical testing. Allele origin: germline.
Comment: For these reasons, this variant has been classified as Pathogenic. Loss-of-function variants in SCN9A are known to be pathogenic (PMID: 17470132, 19304393). This variant has been observed in individual(s) with autosomal recessive osteogenesis imperfecta (PMID: 28116328). This variant is not present in population databases (ExAC no frequency). This sequence change creates a premature translational stop signal (p.Trp190*) in the SCN9A gene. It is expected to result in an absent or disrupted protein product.

Literature cited by the submitters: PubMed 17470132; PubMed 19304393; PubMed 28116328.

NM_001365536.1(SCN9A):c.570G>A (p.Trp190Ter)

Gene: SCN9A (sodium voltage-gated channel alpha subunit 9; minus strand). Cytogenetic location: 2q24.3.
Variant type: single nucleotide variant.
Coding change: c.570G>A on transcript NM_001365536.1 (MANE Select); coding-DNA position 570, G replaced by A.
Protein change: p.Trp190Ter; replaces tryptophan 190 with a stop codon.
Molecular consequence: nonsense.
Genome position (GRCh38, 1-based): chr2:166,305,818, C>T on the plus strand (G>A on the coding strand, the complement: SCN9A is on the minus strand). VCF-style: chr2-166305818-C-T. GRCh37 (hg19) VCF-style: chr2-167162328-C-T.
Other names: c.570G>A, p.Trp190Ter (NM_002977.4); short protein forms W190*.
Identifiers: ClinVar variation 840121 (VCV000840121.10), dbSNP rs1553496156, ClinGen allele CA349094994.